The following is an entry in ClinVar:

ClinVar aggregate classification (germline): Uncertain significance (1 of 4 stars; one submission).

Conditions:
Syndromic multisystem autoimmune disease due to ITCH deficiency. Also called: AUTOIMMUNE DISEASE, MULTISYSTEM, WITH FACIAL DYSMORPHISM. Identifiers: Orphanet 228426, MedGen C3150649, MONDO:0013245, OMIM 613385.

Submission:

Labcorp Genetics (formerly Invitae), Labcorp
Classification: Uncertain significance for Syndromic multisystem autoimmune disease due to ITCH deficiency. Last evaluated: 2020-02-10. Review status: criteria provided, single submitter. Criteria: Invitae Variant Classification Sherloc (09022015). Collection method: clinical testing. Allele origin: germline.
Comment: This sequence change falls in intron 4 of the ITCH gene. It does not directly change the encoded amino acid sequence of the ITCH protein, but it affects a nucleotide within the consensus splice site of the intron. This variant is not present in population databases (ExAC no frequency). This variant has not been reported in the literature in individuals with ITCH-related conditions. Nucleotide substitutions within the consensus splice site are a relatively common cause of aberrant splicing (PMID: 17576681, 9536098). Algorithms developed to predict the effect of sequence changes on RNA splicing suggest that this variant may disrupt the consensus splice site, but this prediction has not been confirmed by published transcriptional studies. In summary, the available evidence is currently insufficient to determine the role of this variant in disease. Therefore, it has been classified as a Variant of Uncertain Significance.

Literature cited by the submitters: PubMed 17576681; PubMed 9536098.

NM_031483.7(ITCH):c.212+3A>G

Gene: ITCH (itchy E3 ubiquitin protein ligase; plus strand). Cytogenetic location: 20q11.22.
Variant type: single nucleotide variant.
Coding change: c.212+3A>G on transcript NM_031483.7 (MANE Select); 3 bases into the intron after coding-DNA position 212, A replaced by G.
Molecular consequence: intron variant.
Genome position (GRCh38, 1-based): chr20:34,408,795, A>G. VCF-style: chr20-34408795-A-G. GRCh37 (hg19) VCF-style: chr20-32996601-A-G.
Other names: c.212+3A>G (NM_001324197.2, NM_001324198.2, NM_001257137.3); c.-118-3720A>G (NM_001257138.3).
Identifiers: ClinVar variation 1044132 (VCV001044132.2), dbSNP rs1978517667, ClinGen allele CA2361193106.